The following is an entry in ClinVar:

NM_032578.4(MYPN):c.843A>G (p.Pro281=)

Gene: MYPN (myopalladin; plus strand). Cytogenetic location: 10q21.3.
Variant type: single nucleotide variant.
Coding change: c.843A>G on transcript NM_032578.4 (MANE Select); coding-DNA position 843, A replaced by G.
Protein change: p.Pro281=; no amino-acid change (proline 281 retained).
Molecular consequence: synonymous variant. On other transcripts: 5 prime UTR variant (1), non-coding transcript variant (1).
Genome position (GRCh38, 1-based): chr10:68,122,281, A>G. VCF-style: chr10-68122281-A-G. GRCh37 (hg19) VCF-style: chr10-69882038-A-G.
Other names: p.P281P:CCA>CCG; p.Pro281=; c.843A>G, p.Pro281= (NM_001256267.2); c.-280A>G (NM_001256268.2).
Identifiers: ClinVar variation 31826 (VCV000031826.28), dbSNP rs74143022, ClinGen allele CA215359.

ClinVar aggregate classification (germline): Benign. Review status: criteria provided, multiple submitters, no conflicts (2 of 4 stars). 11 submissions from 11 submitters: Benign (8). 3 of the submissions do not count toward it. Last evaluated 2026-02-02.

Conditions:
MYPN-related myopathy (CMYO24). Also called: Nemaline myopathy 11, autosomal recessive. Identifiers: MedGen C4479186, MONDO:0015023, OMIM 617336.
Dilated cardiomyopathy 1KK (CMD1KK). Identifiers: Orphanet 154, Orphanet 75249, MedGen C3714995, MONDO:0014100, OMIM 615248.
Cardiovascular phenotype. Identifiers: MedGen CN230736.

Allele frequency attached by ClinVar (database versions not stated): TOPMed 0.03908; gnomAD 0.03534 and 0.03313; 1000 Genomes Project 0.03694; gnomAD exomes 0.00350 and 0.00883; ESP Exome Variant Server 0.03514; 1000 Genomes Project 30x 0.04013; ExAC 0.01037.
gnomAD v4.1: 10,400 of 1,613,930 alleles (0.64%); highest among the groups gnomAD compares: African/African-American, 11%; 519 homozygotes.

Submissions (11):

Labcorp Genetics (formerly Invitae), Labcorp
Classification: Benign for Dilated cardiomyopathy 1KK. Last evaluated: 2026-02-02. Review status: criteria provided, single submitter. Criteria: Invitae Variant Classification Sherloc (09022015). Collection method: clinical testing. Allele origin: germline.

Mayo Clinic Laboratories, Mayo Clinic
Classification: Benign. Last evaluated: 2022-03-24. Review status: criteria provided, single submitter. Criteria: ACMG Guidelines, 2015. Collection method: clinical testing. Allele origin: germline. Observed: 53 variant alleles.

Fulgent Genetics
Classification: Benign for Dilated cardiomyopathy 1KK; MYPN-related myopathy. Last evaluated: 2021-08-20. Review status: criteria provided, single submitter. Criteria: ACMG Guidelines, 2015. Collection method: clinical testing. Allele origin: unknown.

Clinical Genetics DNA and cytogenetics Diagnostics Lab, Erasmus MC, Erasmus Medical Center
Classification: Benign for Dilated cardiomyopathy 1KK. Last evaluated: 2015-09-21. Review status: criteria provided, single submitter. Criteria: ACGS Guidelines, 2013. Collection method: clinical testing. Allele origin: germline. Affected: yes. Study: VKGL Data-share Consensus.

Ambry Genetics
Classification: Benign for Cardiovascular phenotype. Last evaluated: 2015-07-08. Review status: criteria provided, single submitter. Criteria: Ambry Variant Classification Scheme 2023. Collection method: clinical testing. Allele origin: germline.

Laboratory for Molecular Medicine, Mass General Brigham Personalized Medicine
Classification: Benign. Last evaluated: 2015-01-13. Review status: criteria provided, single submitter. Criteria: LMM Criteria. Collection method: clinical testing. Allele origin: germline. Observed: 9 variant alleles.
Comment: p.Pro281Pro in exon 3 of MYPN: This variant is not expected to have clinical sig nificance because it does not alter an amino acid residue and is not located wit hin the splice consensus sequence. It has been identified in 10.3% (453/4406) of African American chromosomes from a broad population by the NHLBI Exome Sequenc ing Project (dbSNP rs74143022).

GeneDx
Classification: Benign. Last evaluated: 2014-01-24. Review status: criteria provided, single submitter. Criteria: GeneDx Variant Classification (06012015). Collection method: clinical testing. Allele origin: germline. Affected: yes.
Comment: This variant is considered likely benign or benign based on one or more of the following criteria: it is a conservative change, it occurs at a poorly conserved position in the protein, it is predicted to be benign by multiple in silico algorithms, and/or has population frequency not consistent with disease.

Breakthrough Genomics
Classification: Benign. Review status: criteria provided, single submitter. Criteria: ACMG Guidelines, 2015. Collection method: not provided. Allele origin: germline. Inheritance: Autosomal recessive inheritance. Affected: yes.

Leiden Muscular Dystrophy (MYPN)
No classification provided. Last evaluated: 2012-04-27. Review status: no classification provided. Collection method: curation. Allele origin: germline. Not counted in ClinVar's aggregate classification.

Clinical Genetics, Academic Medical Center
Classification: Benign. Review status: no assertion criteria provided. Collection method: clinical testing. Allele origin: germline. Affected: yes. Study: VKGL Data-share Consensus. Not counted in ClinVar's aggregate classification.

Joint Genome Diagnostic Labs from Nijmegen and Maastricht, Radboudumc and MUMC+
Classification: Benign. Review status: no assertion criteria provided. Collection method: clinical testing. Allele origin: germline. Affected: yes. Study: VKGL Data-share Consensus. Not counted in ClinVar's aggregate classification.